The following is an entry in ClinVar:

NM_005609.4(PYGM):c.2112G>A (p.Ala704=)

Gene: PYGM (glycogen phosphorylase, muscle associated; minus strand). Cytogenetic location: 11q13.1.
Variant type: single nucleotide variant.
Coding change: c.2112G>A on transcript NM_005609.4 (MANE Select); coding-DNA position 2112, G replaced by A.
Protein change: p.Ala704=; no amino-acid change (alanine 704 retained).
Molecular consequence: synonymous variant.
Genome position (GRCh38, 1-based): chr11:64,750,441, C>T on the plus strand (G>A on the coding strand, the complement: PYGM is on the minus strand). VCF-style: chr11-64750441-C-T. GRCh37 (hg19) VCF-style: chr11-64517913-C-T.
Other names: c.1848G>A, p.Ala616= (NM_001164716.1).
Identifiers: ClinVar variation 382087 (VCV000382087.37), dbSNP rs61737361, ClinGen allele CA6079636.

ClinVar aggregate classification (germline): Likely benign. Review status: criteria provided, multiple submitters, no conflicts (2 of 4 stars). 5 submissions from 5 submitters: Likely benign (5). Last evaluated 2026-02-02.

Conditions:
Glycogen storage disease, type V (GSD5). Also called: McArdle type glycogen storage disease; MYOPHOSPHORYLASE DEFICIENCY; PYGM DEFICIENCY; MCARDLE DISEASE; MUSCLE GLYCOGEN PHOSPHORYLASE DEFICIENCY. Identifiers: Orphanet 368, MedGen C0017924, MONDO:0009293, OMIM 232600.

Allele frequency attached by ClinVar (database versions not stated): gnomAD exomes 0.00007 and 0.00012; ExAC 0.00009; 1000 Genomes Project 30x 0.00016; 1000 Genomes Project 0.00020; TOPMed 0.00051; gnomAD 0.00058 and 0.00068; ESP Exome Variant Server 0.00085.
gnomAD v4.1: 199 of 1,614,134 alleles (0.012%); highest among the groups gnomAD compares: African/African-American, 0.21%; no homozygotes.

Submissions (5):

Labcorp Genetics (formerly Invitae), Labcorp
Classification: Likely benign for Glycogen storage disease, type V. Last evaluated: 2026-02-02. Review status: criteria provided, single submitter. Criteria: Invitae Variant Classification Sherloc (09022015). Collection method: clinical testing. Allele origin: germline.

Blueprint Genetics
Classification: Likely benign. Last evaluated: 2024-11-14. Review status: criteria provided, single submitter. Criteria: ACMG Guidelines, 2015. Collection method: clinical testing. Allele origin: germline.

CeGaT Center for Human Genetics Tuebingen
Classification: Likely benign. Last evaluated: 2023-05-01. Review status: criteria provided, single submitter. Criteria: CeGaT Center For Human Genetics Tuebingen Variant Classification Criteria Version 2. Collection method: clinical testing. Allele origin: germline. Affected: yes. Observed: 1 variant allele.
Comment: PYGM: BP4, BP7

GeneDx
Classification: Likely benign. Last evaluated: 2017-05-19. Review status: criteria provided, single submitter. Criteria: GeneDx Variant Classification (06012015). Collection method: clinical testing. Allele origin: germline. Affected: yes.
Comment: This variant is considered likely benign or benign based on one or more of the following criteria: it is a conservative change, it occurs at a poorly conserved position in the protein, it is predicted to be benign by multiple in silico algorithms, and/or has population frequency not consistent with disease.

Breakthrough Genomics
Classification: Likely benign. Review status: criteria provided, single submitter. Criteria: ACMG Guidelines, 2015. Collection method: not provided. Allele origin: germline. Inheritance: Autosomal recessive inheritance. Affected: yes.